The following is an entry in ClinVar:

NM_145698.5(ACBD5):c.1030G>A (p.Asp344Asn)

Gene: ACBD5 (acyl-CoA binding domain containing 5; minus strand). Cytogenetic location: 10p12.1.
Variant type: single nucleotide variant.
Coding change: c.1030G>A on transcript NM_145698.5 (MANE Select); coding-DNA position 1030, G replaced by A.
Protein change: p.Asp344Asn; replaces aspartic acid 344 with asparagine.
Molecular consequence: missense variant.
Genome position (GRCh38, 1-based): chr10:27,210,988, C>T on the plus strand (G>A on the coding strand, the complement: ACBD5 is on the minus strand). VCF-style: chr10-27210988-C-T. GRCh37 (hg19) VCF-style: chr10-27499917-C-T.
Other names: c.1030G>A (NM_145698.3, NM_145698.4); c.925G>A, p.Asp309Asn (NM_001352578.2, NM_001352579.2, NM_001042473.4 and 1 more transcripts); c.871G>A, p.Asp291Asn (NM_001352580.2); c.859G>A, p.Asp287Asn (NM_001352581.1); c.721G>A, p.Asp241Asn (NM_001352582.2); c.703G>A, p.Asp235Asn (NM_001352583.1, NM_001352584.1, NM_001301251.2 and 2 more transcripts); c.736G>A, p.Asp246Asn (NM_001352585.1); c.853G>A, p.Asp285Asn (NM_001352586.1); and 11 more; short protein forms D167N, D235N, D241N, D246N, D274N, D276N, D285N, D287N.
Identifiers: ClinVar variation 1092138 (VCV001092138.26), dbSNP rs200245623, ClinGen allele CA5450764.

ClinVar aggregate classification (germline): Conflicting classifications of pathogenicity. Review status: criteria provided, conflicting classifications (1 of 4 stars). 4 submissions from 4 submitters: Uncertain significance (2); Likely benign (1). 1 of the submissions does not count toward it. Last evaluated 2025-08-24.

Conditions:
ACBD5-related disorder. Also called: ACBD5-related condition.
Inborn genetic diseases. Identifiers: MedGen C0950123, MeSH D030342.

Allele frequency attached by ClinVar (database versions not stated): gnomAD 0.00013 and 0.00014; TOPMed 0.00016; ESP Exome Variant Server 0.00023.

Submissions (4):

Labcorp Genetics (formerly Invitae), Labcorp
Classification: Likely benign. Last evaluated: 2025-08-24. Review status: criteria provided, single submitter. Criteria: Invitae Variant Classification Sherloc (09022015). Collection method: clinical testing. Allele origin: germline.

CeGaT Center for Human Genetics Tuebingen
Classification: Uncertain significance. Last evaluated: 2024-11-01. Review status: criteria provided, single submitter. Criteria: CeGaT Center For Human Genetics Tuebingen Variant Classification Criteria Version 2. Collection method: clinical testing. Allele origin: germline. Affected: yes. Observed: 1 variant allele.
Comment: ACBD5: PM2

Ambry Genetics
Classification: Uncertain significance for Inborn genetic diseases. Last evaluated: 2021-09-01. Review status: criteria provided, single submitter. Criteria: Ambry Variant Classification Scheme 2023. Collection method: clinical testing. Allele origin: germline.

PreventionGenetics, part of Exact Sciences
Classification: Likely benign for ACBD5-related condition. Last evaluated: 2019-09-13. Review status: no assertion criteria provided. Collection method: clinical testing. Allele origin: germline. Not counted in ClinVar's aggregate classification.
Comment: This variant is classified as likely benign based on ACMG/AMP sequence variant interpretation guidelines (Richards et al. 2015 PMID: 25741868, with internal and published modifications).